The following is an entry in ClinVar:

NM_001040716.2(PC):c.3306dup (p.Lys1103fs)

Gene: PC (pyruvate carboxylase; minus strand). Cytogenetic location: 11q13.2.
Variant type: Duplication.
Coding change: c.3306dup on transcript NM_001040716.2 (MANE Select); coding-DNA position 3306, one base duplicated (C; older notation c.3306dupC).
Protein change: p.Lys1103fs; shifts the reading frame from lysine 1103.
Molecular consequence: frameshift variant.
Genome position (GRCh38, 1-based): chr11:66,849,130, G duplicated on the plus strand (C on the coding strand, the reverse complement: PC is on the minus strand); the first of 4 consecutive G bases (chr11:66,849,130-66,849,133); duplicating any one gives the same sequence. VCF-style (leftmost placement, unchanged base first): chr11-66849129-T-TG. GRCh37 (hg19) VCF-style: chr11-66616600-T-TG.
Other names: c.3306dup, p.Lys1103fs (NM_000920.4, NM_022172.3); short protein forms K1103fs.
Identifiers: ClinVar variation 930539 (VCV000930539.3), dbSNP rs1324931037, ClinGen allele CA600234133.

ClinVar aggregate classification (germline): Likely pathogenic (1 of 4 stars; one submission).

Conditions:
Pyruvate carboxylase deficiency. Also called: Pyruvate Carboxylase Deficiency Disease; LEIGH NECROTIZING ENCEPHALOPATHY DUE TO PYRUVATE CARBOXYLASE DEFICIENCY; LEIGH SYNDROME DUE TO PYRUVATE CARBOXYLASE DEFICIENCY; PC DEFICIENCY; ATAXIA WITH LACTIC ACIDOSIS II. Identifiers: Orphanet 3008, MedGen C0034341, MONDO:0009949, OMIM 266150.

Submission:

Centre for Mendelian Genomics, University Medical Centre Ljubljana
Classification: Likely pathogenic for Pyruvate carboxylase deficiency. Last evaluated: 2019-09-06. Review status: criteria provided, single submitter. Criteria: ACMG Guidelines, 2015. Collection method: clinical testing. Allele origin: unknown. Affected: yes.
Comment: This variant was classified as: Likely pathogenic. The following ACMG criteria were applied in classifying this variant: PVS1,PM2.